The following is an entry in ClinVar:

ClinVar aggregate classification (germline): Uncertain significance (1 of 4 stars; one submission).

Conditions:
Mucopolysaccharidosis type 1. Also called: IDUA deficiency; MPS I. Identifiers: Orphanet 579, MedGen C0023786, MONDO:0001586.

Allele frequency attached by ClinVar (database versions not stated): gnomAD exomes below 0.00001.
gnomAD v4.1: 6 of 1,464,242 alleles (0.00041%); highest among the groups gnomAD compares: South Asian, 0.0069%; no homozygotes.

Submission:

Labcorp Genetics (formerly Invitae), Labcorp
Classification: Uncertain significance for Mucopolysaccharidosis type 1. Last evaluated: 2023-01-26. Review status: criteria provided, single submitter. Criteria: Invitae Variant Classification Sherloc (09022015). Collection method: clinical testing. Allele origin: germline.
Comment: In summary, the available evidence is currently insufficient to determine the role of this variant in disease. Therefore, it has been classified as a Variant of Uncertain Significance. Algorithms developed to predict the effect of missense changes on protein structure and function (SIFT, PolyPhen-2, Align-GVGD) all suggest that this variant is likely to be tolerated. This variant has not been reported in the literature in individuals affected with IDUA-related conditions. The frequency data for this variant in the population databases is considered unreliable, as metrics indicate poor data quality at this position in the gnomAD database. This sequence change replaces phenylalanine, which is neutral and non-polar, with leucine, which is neutral and non-polar, at codon 501 of the IDUA protein (p.Phe501Leu).

NM_000203.5(IDUA):c.1503C>A (p.Phe501Leu)

Gene: IDUA (alpha-L-iduronidase; plus strand). Cytogenetic location: 4p16.3.
Variant type: single nucleotide variant.
Coding change: c.1503C>A on transcript NM_000203.5 (MANE Select); coding-DNA position 1503, C replaced by A.
Protein change: p.Phe501Leu; replaces phenylalanine 501 with leucine.
Molecular consequence: missense variant. On other transcripts: non-coding transcript variant (1).
Genome position (GRCh38, 1-based): chr4:1,003,136, C>A. VCF-style: chr4-1003136-C-A. GRCh37 (hg19) VCF-style: chr4-996924-C-A.
Other names: c.1107C>A, p.Phe369Leu (NM_001363576.1); short protein forms F501L, F369L.
Identifiers: ClinVar variation 1898773 (VCV001898773.3), dbSNP rs1232852509, ClinGen allele CA355964744.
Genomic context (GRCh38, chr4:1,003,136, plus strand): 5'-CAGCCCCGACGGCGAGTGGCGGCGCCTGGGCCGGCCCGTCTTCCCCACGGCAGAGCAGTT[C>A]CGGCGCATGCGCGCGGCTGAGGTAGGTGGGCCGCGGAGGGGCGAGGGGCCGGGCCGGGCC-3'
Protein context (NP_000194.2, residues 491-511): GRPVFPTAEQ[Phe501Leu]RRMRAAEDPV